The following is an entry in ClinVar:

NM_001048174.2(MUTYH):c.1406A>C (p.Tyr469Ser)

Gene: MUTYH (mutY DNA glycosylase; minus strand). Cytogenetic location: 1p34.1.
Variant type: single nucleotide variant.
Coding change: c.1406A>C on transcript NM_001048174.2 (MANE Select); coding-DNA position 1406, A replaced by C.
Protein change: p.Tyr469Ser; replaces tyrosine 469 with serine.
Molecular consequence: missense variant. On other transcripts: non-coding transcript variant (7).
Genome position (GRCh38, 1-based): chr1:45,330,544, T>G on the plus strand (A>C on the coding strand, the complement: MUTYH is on the minus strand). VCF-style: chr1-45330544-T-G. GRCh37 (hg19) VCF-style: chr1-45796216-T-G.
Other names: c.1322A>C, p.Tyr441Ser (NM_001407075.1); c.1439A>C, p.Tyr480Ser (NM_001407077.1, NM_001293191.2, NM_001407069.1); c.1409A>C, p.Tyr470Ser (NM_001407078.1, NM_001407086.1, NM_001048172.2 and 1 more transcripts); c.1367A>C, p.Tyr456Ser (NM_001407079.1); c.1364A>C, p.Tyr455Ser (NM_001407080.1); c.1406A>C, p.Tyr469Ser (NM_001407081.1, NM_001407088.1, NM_001407089.1 and 6 more transcripts); c.1061A>C, p.Tyr354Ser (NM_001407082.1, NM_001350650.2, NM_001350651.2); c.1448A>C, p.Tyr483Ser (NM_001407083.1, NM_001407085.1); and 5 more; short protein forms Y377S, Y455S, Y483S, Y354S, Y456S, Y476S, Y480S, Y484S.
Identifiers: ClinVar variation 4113276 (VCV004113276.1).
Genomic context (GRCh38, chr1:45,330,544, plus strand): 5'-AGACACGGTTGGGAGAGGCCTAGGAGACTTACCATACAGGTCCCTGGCTGTTGGCCCTGA[T>G]ACACACGGAAAACCTAGACAAGAAGACAGGGAGGTGAGGGCTGGCACTTTTTGCAAAAGA-3'
Protein context (NP_001041639.1, residues 459-479): STAMKKVFRV[Tyr469Ser]QGQQPGTCMG

ClinVar aggregate classification (germline): Uncertain significance (1 of 4 stars; one submission).

Conditions:
Hereditary cancer-predisposing syndrome. Also called: Tumor predisposition; Neoplastic Syndromes, Hereditary; Hereditary neoplastic syndrome; Hereditary Cancer Syndrome. Identifiers: Orphanet 140162, MedGen C0027672, MeSH D009386, MONDO:0015356.

Submission:

Ambry Genetics
Classification: Uncertain significance for Hereditary cancer-predisposing syndrome. Last evaluated: 2025-08-27. Review status: criteria provided, single submitter. Criteria: Ambry Variant Classification Scheme 2023. Collection method: clinical testing. Allele origin: germline.
Comment: The p.Y497S variant (also known as c.1490A>C), located in coding exon 15 of the MUTYH gene, results from an A to C substitution at nucleotide position 1490. The tyrosine at codon 497 is replaced by serine, an amino acid with dissimilar properties. This amino acid position is conserved. In addition, this alteration is predicted to be deleterious by in silico analysis. Based on the available evidence, the clinical significance of this variant remains unclear.